The following is an entry in ClinVar:

NM_000143.4(FH):c.463G>A (p.Glu155Lys)

Gene: FH (fumarate hydratase; minus strand). Cytogenetic location: 1q43.
Variant type: single nucleotide variant.
Coding change: c.463G>A on transcript NM_000143.4 (MANE Select); coding-DNA position 463, G replaced by A.
Protein change: p.Glu155Lys; replaces glutamic acid 155 with lysine.
Molecular consequence: missense variant.
Genome position (GRCh38, 1-based): chr1:241,512,059, C>T on the plus strand (G>A on the coding strand, the complement: FH is on the minus strand). VCF-style: chr1-241512059-C-T. GRCh37 (hg19) VCF-style: chr1-241675359-C-T.
Other names: short protein forms E155K.
Identifiers: ClinVar variation 1999252 (VCV001999252.4), dbSNP rs2147921890, ClinGen allele CA345440048.

ClinVar aggregate classification (germline): Uncertain significance (1 of 4 stars; one submission).

Submission:

Labcorp Genetics (formerly Invitae), Labcorp
Classification: Uncertain significance. Last evaluated: 2023-10-25. Review status: criteria provided, single submitter. Criteria: Invitae Variant Classification Sherloc (09022015). Collection method: clinical testing. Allele origin: germline.
Comment: This sequence change replaces glutamic acid, which is acidic and polar, with lysine, which is basic and polar, at codon 155 of the FH protein (p.Glu155Lys). This variant is not present in population databases (gnomAD no frequency). This variant has not been reported in the literature in individuals affected with FH-related conditions. ClinVar contains an entry for this variant (Variation ID: 1999252). Advanced modeling of protein sequence and biophysical properties (such as structural, functional, and spatial information, amino acid conservation, physicochemical variation, residue mobility, and thermodynamic stability) performed at Invitae indicates that this missense variant is expected to disrupt FH protein function with a positive predictive value of 95%. In summary, the available evidence is currently insufficient to determine the role of this variant in disease. Therefore, it has been classified as a Variant of Uncertain Significance.